The following is an entry in ClinVar:

ClinVar aggregate classification (germline): Pathogenic (1 of 4 stars; one submission).

Conditions:
Infantile-onset ascending hereditary spastic paralysis (IAHSP). Also called: Infantile-Onset Ascending Hereditary Spastic Paralysis (IAHSP); Autosomal Recessive Juvenile Amyotrophic Lateral Sclerosis. Identifiers: Orphanet 293168, MedGen C2931441, MONDO:0011797, OMIM 607225. Disease mechanism: loss of function.

Submission:

Labcorp Genetics (formerly Invitae), Labcorp
Classification: Pathogenic for Infantile-onset ascending hereditary spastic paralysis. Last evaluated: 2024-03-07. Review status: criteria provided, single submitter. Criteria: Invitae Variant Classification Sherloc (09022015). Collection method: clinical testing. Allele origin: germline.
Comment: This sequence change creates a premature translational stop signal (p.Thr512Hisfs*36) in the ALS2 gene. It is expected to result in an absent or disrupted protein product. Loss-of-function variants in ALS2 are known to be pathogenic (PMID: 11586298, 24315819). This variant is not present in population databases (gnomAD no frequency). This variant has not been reported in the literature in individuals affected with ALS2-related conditions. For these reasons, this variant has been classified as Pathogenic.

Literature cited by the submitters: PubMed 11586298; PubMed 24315819.

NM_020919.4(ALS2):c.1533dup (p.Thr512fs)

Gene: ALS2 (alsin Rho guanine nucleotide exchange factor ALS2; minus strand). Cytogenetic location: 2q33.1.
Variant type: Duplication.
Coding change: c.1533dup on transcript NM_020919.4 (MANE Select); coding-DNA position 1533, one base duplicated (C; older notation c.1533dupC).
Protein change: p.Thr512fs; shifts the reading frame from threonine 512.
Molecular consequence: frameshift variant.
Genome position (GRCh38, 1-based): chr2:201,754,610, G duplicated on the plus strand (C on the coding strand, the reverse complement: ALS2 is on the minus strand); the first of 5 consecutive G bases (chr2:201,754,610-201,754,614); duplicating any one gives the same sequence. VCF-style (leftmost placement, unchanged base first): chr2-201754609-T-TG. GRCh37 (hg19) VCF-style: chr2-202619332-T-TG.
Other names: c.1533dup, p.Thr512fs (NM_001410975.1); short protein forms T512fs.
Identifiers: ClinVar variation 3700606 (VCV003700606.2).